The following is an entry in ClinVar:

NM_005618.4(DLL1):c.1750C>T (p.Arg584Trp)

Gene: DLL1 (delta like canonical Notch ligand 1; minus strand). Cytogenetic location: 6q27.
Variant type: single nucleotide variant.
Coding change: c.1750C>T on transcript NM_005618.4 (MANE Select); coding-DNA position 1750, C replaced by T.
Protein change: p.Arg584Trp; replaces arginine 584 with tryptophan.
Molecular consequence: missense variant.
Genome position (GRCh38, 1-based): chr6:170,283,529, G>A on the plus strand (C>T on the coding strand, the complement: DLL1 is on the minus strand). VCF-style: chr6-170283529-G-A. GRCh37 (hg19) VCF-style: chr6-170592617-G-A.
Other names: short protein forms R584W.
Identifiers: ClinVar variation 2072262 (VCV002072262.6), dbSNP rs139529686, ClinGen allele CA4106738.

ClinVar aggregate classification (germline): Conflicting classifications of pathogenicity. Review status: criteria provided, conflicting classifications (1 of 4 stars). 3 submissions from 3 submitters: Uncertain significance (2); Likely benign (1). Last evaluated 2025-12-06.

Conditions:
Neurodevelopmental disorder with nonspecific brain abnormalities and with or without seizures. Identifiers: MedGen C5231470, MONDO:0032877, OMIM 618709.
Inborn genetic diseases. Identifiers: MedGen C0950123, MeSH D030342.

Allele frequency attached by ClinVar (database versions not stated): gnomAD 0.00006; TOPMed 0.00007; ESP Exome Variant Server 0.00008; ExAC 0.00013.

Submissions (3):

Labcorp Genetics (formerly Invitae), Labcorp
Classification: Uncertain significance. Last evaluated: 2025-12-06. Review status: criteria provided, single submitter. Criteria: Invitae Variant Classification Sherloc (09022015). Collection method: clinical testing. Allele origin: germline.
Comment: This sequence change replaces arginine, which is basic and polar, with tryptophan, which is neutral and slightly polar, at codon 584 of the DLL1 protein (p.Arg584Trp). This variant is present in population databases (rs139529686, gnomAD 0.04%), and has an allele count higher than expected for a pathogenic variant. This variant has not been reported in the literature in individuals affected with DLL1-related conditions. ClinVar contains an entry for this variant (Variation ID: 2072262). An algorithm developed to predict the effect of missense changes on protein structure and function (PolyPhen-2) suggests that this variant is likely to be tolerated. In summary, the available evidence is currently insufficient to determine the role of this variant in disease. Therefore, it has been classified as a Variant of Uncertain Significance.

Revvity Omics, Revvity
Classification: Uncertain significance for Neurodevelopmental disorder with nonspecific brain abnormalities and with or without seizures. Last evaluated: 2024-11-22. Review status: criteria provided, single submitter. Criteria: ACMG Guidelines, 2015. Collection method: clinical testing. Allele origin: germline.

Ambry Genetics
Classification: Likely benign for Inborn genetic diseases. Last evaluated: 2021-12-03. Review status: criteria provided, single submitter. Criteria: Ambry Variant Classification Scheme 2023. Collection method: clinical testing. Allele origin: germline.